The following is an entry in ClinVar:

ClinVar aggregate classification (germline): Uncertain significance (1 of 4 stars; one submission).

Conditions:
Hereditary cancer-predisposing syndrome. Also called: Neoplastic Syndromes, Hereditary; Tumor predisposition; Hereditary Cancer Syndrome; Hereditary neoplastic syndrome. Identifiers: Orphanet 140162, MedGen C0027672, MeSH D009386, MONDO:0015356.

Submission:

Ambry Genetics
Classification: Uncertain significance for Hereditary cancer-predisposing syndrome. Last evaluated: 2026-01-06. Review status: criteria provided, single submitter. Criteria: Ambry Variant Classification Scheme 2023. Collection method: clinical testing. Allele origin: germline.
Comment: The p.G1093R variant (also known as c.3277G>C), located in coding exon 5 of the MSH6 gene, results from a G to C substitution at nucleotide position 3277. The glycine at codon 1093 is replaced by arginine, an amino acid with dissimilar properties. This amino acid position is highly conserved in available vertebrate species. In addition, the in silico prediction for this alteration is inconclusive. Based on the available evidence, the clinical significance of this variant remains unclear.

NM_000179.3(MSH6):c.3277G>C (p.Gly1093Arg)

Gene: MSH6 (mutS homolog 6; plus strand). Cytogenetic location: 2p16.3.
Variant type: single nucleotide variant.
Coding change: c.3277G>C on transcript NM_000179.3 (MANE Select); coding-DNA position 3277, G replaced by C.
Protein change: p.Gly1093Arg; replaces glycine 1093 with arginine.
Molecular consequence: missense variant. On other transcripts: non-coding transcript variant (5), intron variant (1).
Genome position (GRCh38, 1-based): chr2:47,803,524, G>C. VCF-style: chr2-47803524-G-C. GRCh37 (hg19) VCF-style: chr2-48030663-G-C.
Other names: c.2371G>C, p.Gly791Arg (NM_001406816.1, NM_001406823.1, NM_001406811.1 and 6 more transcripts); c.1711G>C, p.Gly571Arg (NM_001406817.1); c.2980G>C, p.Gly994Arg (NM_001406818.1, NM_001406819.1, NM_001406820.1 and 10 more transcripts); c.3173-70G>C (NM_001406798.1); c.2752G>C, p.Gly918Arg (NM_001406806.1, NM_001406807.1, NM_001406799.1); c.3277G>C, p.Gly1093Arg (NM_001406808.1, NM_001406809.1, NM_001406796.1 and 1 more transcripts); c.3283G>C, p.Gly1095Arg (NM_001406813.1); c.3109G>C, p.Gly1037Arg (NM_001406826.1); and 7 more; short protein forms G20R, G1037R, G1093R, G1095R, G42R, G791R, G918R, G963R.
Identifiers: ClinVar variation 4843695 (VCV004843695.1).
Genomic context (GRCh38, chr2:47,803,524, plus strand): 5'-CCTATGTGTCGCCCAGTAATTCTGTTGCCGGAAGATACCCCCCCCTTCTTAGAGCTTAAA[G>C]GATCACGCCATCCTTGCATTACGAAGACTTTTTTTGGAGATGATTTTATTCCTAATGACA-3'
Protein context (NP_000170.1, residues 1083-1103): EDTPPFLELK[Gly1093Arg]SRHPCITKTF